The following is an entry in ClinVar:

NM_000138.5(FBN1):c.7395T>C (p.Ser2465=)

Gene: FBN1 (fibrillin 1; minus strand). Cytogenetic location: 15q21.1.
Variant type: single nucleotide variant.
Coding change: c.7395T>C on transcript NM_000138.5 (MANE Select); coding-DNA position 7395, T replaced by C.
Protein change: p.Ser2465=; no amino-acid change (serine 2465 retained).
Molecular consequence: synonymous variant.
Genome position (GRCh38, 1-based): chr15:48,425,427, A>G on the plus strand (T>C on the coding strand, the complement: FBN1 is on the minus strand). VCF-style: chr15-48425427-A-G. GRCh37 (hg19) VCF-style: chr15-48717624-A-G.
Identifiers: ClinVar variation 698028 (VCV000698028.16), dbSNP rs774341590, ClinGen allele CA058499.

ClinVar aggregate classification (germline): Likely benign. Review status: criteria provided, multiple submitters, no conflicts (2 of 4 stars). 5 submissions from 5 submitters: Likely benign (5). Last evaluated 2026-08-01.

Conditions:
Marfan syndrome (MFS). Also called: MARFAN SYNDROME, TYPE I; FBN1-Related Marfan Syndrome; Marfan syndrome, classic; Marfan syndrome type 1; Marfan's syndrome. Identifiers: Orphanet 284963, Orphanet 558, MedGen C0024796, MONDO:0007947, OMIM 154700.
Familial thoracic aortic aneurysm and aortic dissection (TAAD). Also called: Thoracic aortic aneurysms and dissections. Identifiers: Orphanet 91387, MedGen C4707243, MONDO:0019625.

Allele frequency attached by ClinVar (database versions not stated): TOPMed below 0.00001; gnomAD exomes 0.00001 and 0.00003; ExAC 0.00006.
gnomAD v4.1: 15 of 1,613,994 alleles (0.00093%); highest among the groups gnomAD compares: Admixed American, 0.012%; no homozygotes.

Submissions (5):

CeGaT Center for Human Genetics Tuebingen
Classification: Likely benign. Last evaluated: 2026-08-01. Review status: criteria provided, single submitter. Criteria: CeGaT Center For Human Genetics Tuebingen Variant Classification Criteria Version 2. Collection method: clinical testing. Allele origin: germline. Affected: yes. Observed: 1 variant allele.
Comment: FBN1: BP4, BP7

Labcorp Genetics (formerly Invitae), Labcorp
Classification: Likely benign for Marfan syndrome; Familial thoracic aortic aneurysm and aortic dissection. Last evaluated: 2025-04-23. Review status: criteria provided, single submitter. Criteria: Invitae Variant Classification Sherloc (09022015). Collection method: clinical testing. Allele origin: germline.

All of Us Research Program, National Institutes of Health
Classification: Likely benign for Marfan syndrome. Last evaluated: 2023-12-13. Review status: criteria provided, single submitter. Criteria: ACMG Guidelines, 2015. Collection method: clinical testing. Allele origin: germline. Inheritance: Autosomal dominant inheritance. Observed: 8 variant alleles, 7 heterozygotes, 1 homozygote.
Comment: This study involves interpretation of variants in research participants for the purpose of population health screening. Participant phenotype was not available at the time of variant classification. Additional details can be found in publication PMID: 35346344, PMCID: PMC8962531

Ambry Genetics
Classification: Likely benign for Familial thoracic aortic aneurysm and aortic dissection. Last evaluated: 2023-09-06. Review status: criteria provided, single submitter. Criteria: Ambry Variant Classification Scheme 2023. Collection method: clinical testing. Allele origin: germline.

Color Diagnostics, LLC DBA Color Health
Classification: Likely benign for Familial thoracic aortic aneurysm and aortic dissection. Last evaluated: 2019-03-07. Review status: criteria provided, single submitter. Criteria: ACMG Guidelines, 2015. Collection method: clinical testing. Allele origin: germline.